The following is an entry in ClinVar:

ClinVar aggregate classification (germline): Benign. Review status: criteria provided, single submitter (1 of 4 stars). 2 submissions from 2 submitters: Benign (1). 1 of the submissions does not count toward it. Last evaluated 2019-12-30.

Conditions:
SCN7A-related disorder. Also called: SCN7A-related condition.

Submissions (2):

Labcorp Genetics (formerly Invitae), Labcorp
Classification: Benign. Last evaluated: 2019-12-30. Review status: criteria provided, single submitter. Criteria: Invitae Variant Classification Sherloc (09022015). Collection method: clinical testing. Allele origin: germline.

PreventionGenetics, part of Exact Sciences
Classification: Benign for SCN7A-related condition. Last evaluated: 2020-04-10. Review status: no assertion criteria provided. Collection method: clinical testing. Allele origin: germline. Not counted in ClinVar's aggregate classification.
Comment: This variant is classified as benign based on ACMG/AMP sequence variant interpretation guidelines (Richards et al. 2015 PMID: 25741868, with internal and published modifications).

NM_002976.4(SCN7A):c.2696del (p.Asn899fs)

Gene: SCN7A (sodium voltage-gated channel alpha subunit 7; minus strand). Cytogenetic location: 2q24.3.
Variant type: Deletion.
Coding change: c.2696del on transcript NM_002976.4 (MANE Select); coding-DNA position 2696, one base deleted (A; older notation c.2696delA).
Protein change: p.Asn899fs; shifts the reading frame from asparagine 899.
Molecular consequence: frameshift variant. On other transcripts: non-coding transcript variant (1).
Genome position (GRCh38, 1-based): chr2:166,429,171, T deleted on the plus strand (A on the coding strand, the reverse complement: SCN7A is on the minus strand); the first of 5 consecutive T bases (chr2:166,429,171-166,429,175); deleting any one gives the same sequence. VCF-style (leftmost placement, unchanged base first): chr2-166429170-AT-A. GRCh37 (hg19) VCF-style: chr2-167285680-AT-A.
Other names: c.2696delA (NM_002976.3); short protein forms N899fs.
Identifiers: ClinVar variation 716525 (VCV000716525.6), dbSNP rs529599630, ClinGen allele CA1945408.